The following is an entry in ClinVar:

ClinVar aggregate classification (germline): Benign/Likely benign. Review status: criteria provided, multiple submitters, no conflicts (2 of 4 stars). 7 submissions from 6 submitters: Benign (2); Likely benign (4). 1 of the submissions does not count toward it. Last evaluated 2026-01-26.

Conditions:
Distal arthrogryposis type 2B1 (DA2B1). Also called: Arthrogryposis multiplex congenita distal type II with craniofacial abnormalities. Identifiers: Orphanet 1147, MedGen C5193014, MONDO:0020820, OMIM 601680.
MYH3-related disorder. Also called: MYH3-Related Disorders; MYH3-related condition. Identifiers: MedGen CN239329.
Freeman-Sheldon syndrome (DA2A). Also called: CRANIOCARPOTARSAL DYSPLASIA; CRANIOCARPOTARSAL DYSTROPHY; WHISTLING FACE-WINDMILL VANE HAND SYNDROME; Arthrogryposis, distal, type 2A (Freeman-Sheldon). Identifiers: Orphanet 2053, MedGen C0265224, MONDO:0008675, OMIM 193700.

Allele frequency attached by ClinVar (database versions not stated): ExAC 0.00091; 1000 Genomes Project 30x 0.00265; gnomAD 0.00271 and 0.00291; 1000 Genomes Project 0.00280; TOPMed 0.00310; ESP Exome Variant Server 0.00331; gnomAD exomes 0.00026 and 0.00067.
gnomAD v4.1: 819 of 1,614,040 alleles (0.051%); highest among the groups gnomAD compares: African/African-American, 0.91%; 4 homozygotes.

Submissions (7):

Labcorp Genetics (formerly Invitae), Labcorp
Classification: Likely benign. Last evaluated: 2026-01-26. Review status: criteria provided, single submitter. Criteria: Invitae Variant Classification Sherloc (09022015). Collection method: clinical testing. Allele origin: germline.

CeGaT Center for Human Genetics Tuebingen
Classification: Likely benign. Last evaluated: 2025-03-01. Review status: criteria provided, single submitter. Criteria: CeGaT Center For Human Genetics Tuebingen Variant Classification Criteria Version 2. Collection method: clinical testing. Allele origin: germline. Affected: yes. Observed: 1 variant allele.
Comment: MYH3: BP4

Blueprint Genetics
Classification: Likely benign. Last evaluated: 2024-11-12. Review status: criteria provided, single submitter. Criteria: ACMG Guidelines, 2015. Collection method: clinical testing. Allele origin: germline.

GeneDx
Classification: Benign. Last evaluated: 2020-06-29. Review status: criteria provided, single submitter. Criteria: GeneDx Variant Classification Process June 2021. Collection method: clinical testing. Allele origin: germline. Affected: yes.

Illumina Laboratory Services, Illumina
Classification: Likely benign for Distal arthrogryposis type 2B1. Last evaluated: 2018-01-13. Review status: criteria provided, single submitter. Criteria: ICSL Variant Classification Criteria 13 December 2019. Collection method: clinical testing. Allele origin: germline.
Comment: This variant was observed in the ICSL laboratory as part of a predisposition screen in an ostensibly healthy population. It had not been previously curated by ICSL or reported in the Human Gene Mutation Database (HGMD: prior to June 1st, 2018), and was therefore a candidate for classification through an automated scoring system. Utilizing variant allele frequency, disease prevalence and penetrance estimates, and inheritance mode, an automated score was calculated to assess if this variant is too frequent to cause the disease. Based on the score and internal cut-off values, a variant classified as likely benign is not then subjected to further curation. The score for this variant resulted in a classification of likely benign for this disease.

Illumina Laboratory Services, Illumina
Classification: Benign for Freeman-Sheldon syndrome. Last evaluated: 2018-01-13. Review status: criteria provided, single submitter. Criteria: ICSL Variant Classification Criteria 13 December 2019. Collection method: clinical testing. Allele origin: germline.
Comment: This variant was observed in the ICSL laboratory as part of a predisposition screen in an ostensibly healthy population. It had not been previously curated by ICSL or reported in the Human Gene Mutation Database (HGMD: prior to June 1st, 2018), and was therefore a candidate for classification through an automated scoring system. Utilizing variant allele frequency, disease prevalence and penetrance estimates, and inheritance mode, an automated score was calculated to assess if this variant is too frequent to cause the disease. Based on the score and internal cut-off values, a variant classified as benign is not then subjected to further curation. The score for this variant resulted in a classification of benign for this disease.

PreventionGenetics, part of Exact Sciences
Classification: Benign for MYH3-related condition. Last evaluated: 2019-06-19. Review status: no assertion criteria provided. Collection method: clinical testing. Allele origin: germline. Not counted in ClinVar's aggregate classification.
Comment: This variant is classified as benign based on ACMG/AMP sequence variant interpretation guidelines (Richards et al. 2015 PMID: 25741868, with internal and published modifications).

NM_002470.4(MYH3):c.4098T>C (p.Asn1366=)

Gene: MYH3 (myosin heavy chain 3; minus strand). Cytogenetic location: 17p13.1.
Variant type: single nucleotide variant.
Coding change: c.4098T>C on transcript NM_002470.4 (MANE Select); coding-DNA position 4098, T replaced by C.
Protein change: p.Asn1366=; no amino-acid change (asparagine 1366 retained).
Molecular consequence: synonymous variant.
Genome position (GRCh38, 1-based): chr17:10,635,441, A>G on the plus strand (T>C on the coding strand, the complement: MYH3 is on the minus strand). VCF-style: chr17-10635441-A-G. GRCh37 (hg19) VCF-style: chr17-10538758-A-G.
Identifiers: ClinVar variation 703813 (VCV000703813.28), dbSNP rs138944611, ClinGen allele CA8392308.